The following is an entry in ClinVar:

NM_000057.4(BLM):c.2383G>A (p.Asp795Asn)

Gene: BLM (BLM RecQ like helicase; plus strand). Cytogenetic location: 15q26.1.
Variant type: single nucleotide variant.
Coding change: c.2383G>A on transcript NM_000057.4 (MANE Select); coding-DNA position 2383, G replaced by A.
Protein change: p.Asp795Asn; replaces aspartic acid 795 with asparagine.
Molecular consequence: missense variant.
Genome position (GRCh38, 1-based): chr15:90,769,208, G>A. VCF-style: chr15-90769208-G-A. GRCh37 (hg19) VCF-style: chr15-91312438-G-A.
Other names: c.2383G>A, p.Asp795Asn (NM_001287246.2, NM_001287247.2); c.1258G>A, p.Asp420Asn (NM_001287248.2); short protein forms D420N, D795N.
Identifiers: ClinVar variation 2108450 (VCV002108450.4), dbSNP rs2505454812, ClinGen allele CA393845178.

ClinVar aggregate classification (germline): Uncertain significance (1 of 4 stars; one submission).

Conditions:
Bloom syndrome (BLM). Also called: Bloom-Torre-Machacek syndrome. Identifiers: Orphanet 125, MedGen C0005859, MONDO:0008876, OMIM 210900.

Submission:

Labcorp Genetics (formerly Invitae), Labcorp
Classification: Uncertain significance for Bloom syndrome. Last evaluated: 2023-05-08. Review status: criteria provided, single submitter. Criteria: Invitae Variant Classification Sherloc (09022015). Collection method: clinical testing. Allele origin: germline.
Comment: ClinVar contains an entry for this variant (Variation ID: 2108450). This sequence change replaces aspartic acid, which is acidic and polar, with asparagine, which is neutral and polar, at codon 795 of the BLM protein (p.Asp795Asn). This variant is not present in population databases (gnomAD no frequency). This variant has not been reported in the literature in individuals affected with BLM-related conditions. Advanced modeling of protein sequence and biophysical properties (such as structural, functional, and spatial information, amino acid conservation, physicochemical variation, residue mobility, and thermodynamic stability) performed at Invitae indicates that this missense variant is expected to disrupt BLM protein function. In summary, the available evidence is currently insufficient to determine the role of this variant in disease. Therefore, it has been classified as a Variant of Uncertain Significance.